The following is an entry in ClinVar:

ClinVar aggregate classification (germline): Uncertain significance (1 of 4 stars; one submission).

Conditions:
Short-rib thoracic dysplasia 11 with or without polydactyly (SRTD11). Also called: SHORT-RIB THORACIC DYSPLASIA 11 WITHOUT POLYDACTYLY. Identifiers: Orphanet 474, Orphanet 93271, MedGen C3810200, MONDO:0014287, OMIM 615633.

Allele frequency attached by ClinVar (database versions not stated): gnomAD exomes below 0.00001.
gnomAD v4.1: 5 of 1,612,856 alleles (0.00031%); highest among the groups gnomAD compares: East Asian, 0.0022%; no homozygotes.

Submission:

Labcorp Genetics (formerly Invitae), Labcorp
Classification: Uncertain significance for Short-rib thoracic dysplasia 11 with or without polydactyly. Last evaluated: 2023-12-02. Review status: criteria provided, single submitter. Criteria: Invitae Variant Classification Sherloc (09022015). Collection method: clinical testing. Allele origin: germline.
Comment: This sequence change replaces valine, which is neutral and non-polar, with leucine, which is neutral and non-polar, at codon 335 of the WDR34 protein (p.Val335Leu). This variant is not present in population databases (gnomAD no frequency). This variant has not been reported in the literature in individuals affected with WDR34-related conditions. An algorithm developed to predict the effect of missense changes on protein structure and function (PolyPhen-2) suggests that this variant is likely to be tolerated. In summary, the available evidence is currently insufficient to determine the role of this variant in disease. Therefore, it has been classified as a Variant of Uncertain Significance.

NM_052844.4(DYNC2I2):c.1003G>T (p.Val335Leu)

Genes: DYNC2I2 (dynein 2 intermediate chain 2; minus strand), LOC126860772 (CDK7 strongly-dependent group 2 enhancer GRCh37_chr9:131396972-131398171; plus strand). Cytogenetic location: 9q34.11.
Variant type: single nucleotide variant.
Coding change: c.1003G>T on transcript NM_052844.4 (MANE Select); coding-DNA position 1003, G replaced by T.
Protein change: p.Val335Leu; replaces valine 335 with leucine.
Molecular consequence: missense variant.
Genome position (GRCh38, 1-based): chr9:128,634,900, C>A on the plus strand (G>T on the coding strand, the complement: DYNC2I2 is on the minus strand). VCF-style: chr9-128634900-C-A. GRCh37 (hg19) VCF-style: chr9-131397179-C-A.
Other names: short protein forms V335L.
Identifiers: ClinVar variation 2818909 (VCV002818909.3), dbSNP rs2542431839, ClinGen allele CA375114064.